The following is an entry in ClinVar:

ClinVar aggregate classification (germline): Uncertain significance (1 of 4 stars; one submission).

Allele frequency attached by ClinVar (database versions not stated): TOPMed 0.00001; gnomAD exomes 0.00003 and 0.00005; ExAC 0.00005.

Submission:

Labcorp Genetics (formerly Invitae), Labcorp
Classification: Uncertain significance. Last evaluated: 2024-03-28. Review status: criteria provided, single submitter. Criteria: Invitae Variant Classification Sherloc (09022015). Collection method: clinical testing. Allele origin: germline.
Comment: This sequence change replaces glycine, which is neutral and non-polar, with glutamic acid, which is acidic and polar, at codon 839 of the ADAMTSL4 protein (p.Gly839Glu). This variant is present in population databases (rs766405451, gnomAD 0.006%). This variant has not been reported in the literature in individuals affected with ADAMTSL4-related conditions. ClinVar contains an entry for this variant (Variation ID: 1475424). Advanced modeling of protein sequence and biophysical properties (such as structural, functional, and spatial information, amino acid conservation, physicochemical variation, residue mobility, and thermodynamic stability) has been performed at Invitae for this missense variant, however the output from this modeling did not meet the statistical confidence thresholds required to predict the impact of this variant on ADAMTSL4 protein function. In summary, the available evidence is currently insufficient to determine the role of this variant in disease. Therefore, it has been classified as a Variant of Uncertain Significance.

NM_019032.6(ADAMTSL4):c.2516G>A (p.Gly839Glu)

Gene: ADAMTSL4 (ADAMTS like 4; plus strand). Cytogenetic location: 1q21.2.
Variant type: single nucleotide variant.
Coding change: c.2516G>A on transcript NM_019032.6 (MANE Select); coding-DNA position 2516, G replaced by A.
Protein change: p.Gly839Glu; replaces glycine 839 with glutamic acid.
Molecular consequence: missense variant.
Genome position (GRCh38, 1-based): chr1:150,558,606, G>A. VCF-style: chr1-150558606-G-A. GRCh37 (hg19) VCF-style: chr1-150531082-G-A.
Other names: c.2399G>A, p.Gly800Glu (NM_001288607.2); c.2585G>A, p.Gly862Glu (NM_001288608.2); c.2516G>A, p.Gly839Glu (NM_001378596.1, NM_025008.5); short protein forms G800E, G839E, G862E.
Identifiers: ClinVar variation 1475424 (VCV001475424.4), dbSNP rs766405451, ClinGen allele CA1078709.